The following is an entry in ClinVar:

ClinVar aggregate classification (germline): Benign. Review status: criteria provided, multiple submitters, no conflicts (2 of 4 stars). 2 submissions from 2 submitters: Benign (2). Last evaluated 2016-03-28.

Allele frequency attached by ClinVar (database versions not stated): ESP Exome Variant Server 0.14114; ExAC 0.14222; gnomAD exomes 0.14739; gnomAD 0.16018 and 0.16170; TOPMed 0.18003; 1000 Genomes Project 0.24022; 1000 Genomes Project 30x 0.24110.
gnomAD v4.1: 165,827 of 1,613,600 alleles (10%); highest among the groups gnomAD compares: East Asian, 39%; 13,971 homozygotes.

Submissions (2):

Laboratory for Molecular Medicine, Mass General Brigham Personalized Medicine
Classification: Benign. Last evaluated: 2016-03-28. Review status: criteria provided, single submitter. Criteria: LMM Criteria. Collection method: clinical testing. Allele origin: germline.
Comment: Variant identified in a genome or exome case(s) and assessed due to predicted null impact of the variant or pathogenic assertions in the literature or databases. Disclaimer: This variant has not undergone full assessment. The following are preliminary notes: Frequency

Breakthrough Genomics
Classification: Benign. Review status: criteria provided, single submitter. Criteria: ACMG Guidelines, 2015. Collection method: not provided. Allele origin: germline. Inheritance: Unknown mechanism. Affected: yes.

NM_001323572.2(CCP110):c.512C>T (p.Pro171Leu)

Gene: CCP110 (centriolar coiled-coil protein 110; plus strand). Cytogenetic location: 16p12.3.
Variant type: single nucleotide variant.
Coding change: c.512C>T on transcript NM_001323572.2 (MANE Select); coding-DNA position 512, C replaced by T.
Protein change: p.Pro171Leu; replaces proline 171 with leucine.
Molecular consequence: missense variant.
Genome position (GRCh38, 1-based): chr16:19,536,181, C>T. VCF-style: chr16-19536181-C-T. GRCh37 (hg19) VCF-style: chr16-19547503-C-T.
Other names: c.512C>T, p.Pro171Leu (NM_001199022.3, NM_001323569.2, NM_001323570.2 and 4 more transcripts); short protein forms P171L.
Identifiers: ClinVar variation 402511 (VCV000402511.5), dbSNP rs3751821, ClinGen allele CA7935310.